The following is an entry in ClinVar:

NM_000218.3(KCNQ1):c.560T>C (p.Leu187Pro)

Gene: KCNQ1 (potassium voltage-gated channel subfamily Q member 1; plus strand). Cytogenetic location: 11p15.5.
Variant type: single nucleotide variant.
Coding change: c.560T>C on transcript NM_000218.3 (MANE Select); coding-DNA position 560, T replaced by C.
Protein change: p.Leu187Pro; replaces leucine 187 with proline.
Molecular consequence: missense variant.
Genome position (GRCh38, 1-based): chr11:2,570,710, T>C. VCF-style: chr11-2570710-T-C. GRCh37 (hg19) VCF-style: chr11-2591940-T-C.
Other names: p.L187P:CTC>CCC; c.560T>C (LRG_287t1); c.560T>C, p.Leu187Pro (NM_001406836.1); c.290T>C, p.Leu97Pro (NM_001406837.1); c.179T>C, p.Leu60Pro (NM_181798.2); short protein forms L187P, L60P, L97P.
Identifiers: ClinVar variation 53066 (VCV000053066.14), dbSNP rs199473399, ClinGen allele CA007460.
Genomic context (GRCh38, chr11:2,570,710, plus strand): 5'-TCGGGACGGAGTACGTGGTCCGCCTCTGGTCCGCCGGCTGCCGCAGCAAGTACGTGGGCC[T>C]CTGGGGGCGGCTGCGCTTTGCCCGGAAGCCCATTTCCATCATCGGTGAGTCATGCCTGCC-3'
Protein context (NP_000209.2, residues 177-197): SAGCRSKYVG[Leu187Pro]WGRLRFARKP

ClinVar aggregate classification (germline): Conflicting classifications of pathogenicity. Review status: criteria provided, conflicting classifications (1 of 4 stars). 5 submissions from 5 submitters: Pathogenic (2); Uncertain significance (2). 1 of the submissions does not count toward it. Last evaluated 2025-09-08.

Conditions:
Cardiovascular phenotype. Identifiers: MedGen CN230736.
Familial long QT syndrome (RWS). Also called: Congenital long QT syndrome; Romano-Ward syndrome; VENTRICULAR FIBRILLATION WITH PROLONGED QT INTERVAL. Identifiers: Orphanet 768, MedGen C1141890, MONDO:0019171.
Long QT syndrome (LQTS). Identifiers: MedGen C0023976, MeSH D008133, MONDO:0002442. Disease mechanism: loss of function. Inheritance: Various modes of inheritance.
Long QT syndrome 1 (LQT1). Identifiers: Orphanet 101016, Orphanet 768, MedGen C4551647, MONDO:0100316, OMIM 192500, MONDO:0008646.

Allele frequency attached by ClinVar (database versions not stated): gnomAD exomes 0.00001; ExAC 0.00001.
gnomAD v4.1: 1 of 1,612,500 alleles (0.000062%); highest among the groups gnomAD compares: Non-Finnish European, 0.000085%; no homozygotes.

Submissions (5):

Labcorp Genetics (formerly Invitae), Labcorp
Classification: Pathogenic for Long QT syndrome. Last evaluated: 2025-09-08. Review status: criteria provided, single submitter. Criteria: Invitae Variant Classification Sherloc (09022015). Collection method: clinical testing. Allele origin: germline.
Comment: This sequence change replaces leucine, which is neutral and non-polar, with proline, which is neutral and non-polar, at codon 187 of the KCNQ1 protein (p.Leu187Pro). This variant is present in population databases (rs199473399, gnomAD 0.002%). This missense change has been observed in individual(s) with long QT syndrome (PMID: 18808722, 23631430). It has also been observed to segregate with disease in related individuals. ClinVar contains an entry for this variant (Variation ID: 53066). Invitae Evidence Modeling of protein sequence and biophysical properties (such as structural, functional, and spatial information, amino acid conservation, physicochemical variation, residue mobility, and thermodynamic stability) has been performed for this missense variant. However, the output from this modeling did not meet the statistical confidence thresholds required to predict the impact of this variant on KCNQ1 protein function. Experimental studies are conflicting or provide insufficient evidence to determine the effect of this variant on KCNQ1 function (PMID: 30571187, 32797034). For these reasons, this variant has been classified as Pathogenic.

GeneDx
Classification: Uncertain significance. Last evaluated: 2025-07-25. Review status: criteria provided, single submitter. Criteria: GeneDx Variant Classification Process June 2021. Collection method: clinical testing. Allele origin: germline. Affected: yes.
Comment: Identified in an individual suspected of having long QT syndrome, however specific clinical information was not provided (PMID: 23631430); Identified in several individuals with long QT syndrome in a large family, however the variant was also seen in several family members with an uncertain long QT syndrome diagnosis and in one unaffected family member making it unclear if the variant is segregating with disease in the family (PMID: 18808722); Not observed at significant frequency in large population cohorts (gnomAD); In silico analysis supports that this missense variant has a deleterious effect on protein structure/function; This variant is associated with the following publications: (PMID: 30571187, 23631430, 18808722)

Molecular Genetics Laboratory - Cardiogenetics, CHU de Nantes
Classification: Pathogenic for Long QT syndrome 1. Last evaluated: 2023-08-01. Review status: criteria provided, single submitter. Criteria: ACMG Guidelines, 2015. Collection method: clinical testing. Allele origin: germline. Affected: yes.

Ambry Genetics
Classification: Uncertain significance for Cardiovascular phenotype. Last evaluated: 2018-02-12. Review status: criteria provided, single submitter. Criteria: Ambry Variant Classification Scheme 2023. Collection method: clinical testing. Allele origin: germline.

Cardiovascular Biomedical Research Unit, Royal Brompton & Harefield NHS Foundation Trust
No classification provided. Condition: Familial long QT syndrome. Review status: no classification provided. Collection method: literature only. Allele origin: germline. Not counted in ClinVar's aggregate classification.
Comment: This variant has been reported as associated with Long QT syndrome in the following publications (PMID:18808722). This is a literature report, and does not necessarily reflect the clinical interpretation of the Imperial College / Royal Brompton Cardiovascular Genetics laboratory.

Literature cited by the submitters: PubMed 18808722 (cited by Labcorp Genetics (formerly Invitae), Labcorp and Cardiovascular Biomedical Research Unit, Royal Brompton & Harefield NHS Foundation Trust); PubMed 23631430 (cited by Labcorp Genetics (formerly Invitae), Labcorp); PubMed 30571187 (cited by Labcorp Genetics (formerly Invitae), Labcorp); PubMed 32797034 (cited by Labcorp Genetics (formerly Invitae), Labcorp); PubMed 22581653 (cited by Cardiovascular Biomedical Research Unit, Royal Brompton & Harefield NHS Foundation Trust).